The following is an entry in ClinVar:

NM_001844.5(COL2A1):c.1214G>A (p.Gly405Asp)

Gene: COL2A1 (collagen type II alpha 1 chain; minus strand). Cytogenetic location: 12q13.11.
Variant type: single nucleotide variant.
Coding change: c.1214G>A on transcript NM_001844.5 (MANE Select); coding-DNA position 1214, G replaced by A.
Protein change: p.Gly405Asp; replaces glycine 405 with aspartic acid.
Molecular consequence: missense variant.
Genome position (GRCh38, 1-based): chr12:47,987,618, C>T on the plus strand (G>A on the coding strand, the complement: COL2A1 is on the minus strand). VCF-style: chr12-47987618-C-T. GRCh37 (hg19) VCF-style: chr12-48381401-C-T.
Other names: c.1007G>A, p.Gly336Asp (NM_033150.3); short protein forms G336D, G405D.
Identifiers: ClinVar variation 1072582 (VCV001072582.9), dbSNP rs2136579057, ClinGen allele CA384554365.

ClinVar aggregate classification (germline): Pathogenic (1 of 4 stars; one submission).

Submission:

Labcorp Genetics (formerly Invitae), Labcorp
Classification: Pathogenic. Last evaluated: 2023-04-26. Review status: criteria provided, single submitter. Criteria: Invitae Variant Classification Sherloc (09022015). Collection method: clinical testing. Allele origin: germline.
Comment: Advanced modeling of protein sequence and biophysical properties (such as structural, functional, and spatial information, amino acid conservation, physicochemical variation, residue mobility, and thermodynamic stability) performed at Invitae indicates that this missense variant is expected to disrupt COL2A1 protein function. This variant disrupts the triple helix domain of COL2A1. Glycine residues within the Gly-Xaa-Yaa repeats of the triple helix domain are required for the structure and stability of fibrillar collagens (PMID: 7695699, 8218237, 19344236). In COL2A1, variants affecting these glycine residues are significantly enriched in individuals with disease (PMID: 9016532, 17078022) compared to the general population (ExAC). For these reasons, this variant has been classified as Pathogenic. ClinVar contains an entry for this variant (Variation ID: 1072582). This sequence change replaces glycine, which is neutral and non-polar, with aspartic acid, which is acidic and polar, at codon 405 of the COL2A1 protein (p.Gly405Asp). This variant is not present in population databases (gnomAD no frequency). This missense change has been observed in individuals with autosomal dominant spondyloepiphyseal dysplasia congenita (PMID: 17347327, 26626311).

Literature cited by the submitters: PubMed 7695699; PubMed 8218237; PubMed 19344236; PubMed 9016532; PubMed 17078022; PubMed 17347327; PubMed 26626311.